The following is an entry in ClinVar:

ClinVar aggregate classification (germline): Likely pathogenic (1 of 4 stars; one submission).

Conditions:
Stickler syndrome type 2 (STL2). Also called: STICKLER SYNDROME, TYPE II; STICKLER SYNDROME, BEADED VITREOUS TYPE; STICKLER SYNDROME, VITREOUS TYPE 2; COL11A1-Related Stickler Syndrome. Identifiers: Orphanet 828, Orphanet 90654, MedGen C1858084, MONDO:0011493, OMIM 604841.

gnomAD v4.1: 1 of 1,609,560 alleles (0.000062%); highest among the groups gnomAD compares: South Asian, 0.0011%; no homozygotes.

Submission:

Victorian Clinical Genetics Services, Murdoch Childrens Research Institute
Classification: Likely pathogenic for Stickler syndrome type 2. Last evaluated: 2026-01-16. Review status: criteria provided, single submitter. Criteria: ACMG Guidelines, 2015. Collection method: clinical testing. Allele origin: germline. Affected: yes.
Comment: This variant is classified as Likely pathogenic. Evidence in support of pathogenic classification: Variant is present in gnomAD <0.01 (v4: 1 heterozygote(s), 0 homozygote(s)); Variant is located in the well-established Gly-X-Y motif in the collagen triple helical domain (DECIPHER); Missense variant predicted to be damaging by in silico tool(s) or highly conserved with a major amino acid change. Additional information: Variant is predicted to result in a missense amino acid change from Gly to Val; This variant is heterozygous; This gene is associated with both recessive and dominant disease. Autosomal recessive Stickler syndrome is usually caused by variants affecting exon 9 (PMIDs: 32578940, 25073711); This variant has no previous evidence of pathogenicity; No published evidence of segregation with disease has been identified for this variant; No published functional evidence has been identified for this variant; Another missense variant comparable to the one identified in this case has inconclusive previous evidence for pathogenicity. The p.(Gly568Asp) variant has been classified as a VUS by a clinical laboratory in ClinVar; Dominant negative and loss of function are known mechanisms of disease in this gene. Loss of function variants have been associated with fibrochondrogenesis 1 (MIM#228520), Marshall syndrome (MIM#154780), and autosomal dominant deafness 37 (MIM#618533). Variants that exhibit a dominant negative effect are associated with autosomal dominant Stickler syndrome, type II (MIM#604841); Variants in this gene causing Stickler syndrome are known to have variable expressivity (PMID: 27081569).

Literature cited by the submitters: PubMed 32578940; PubMed 27081569; PubMed 25073711.

NM_001854.4(COL11A1):c.1703G>T (p.Gly568Val)

Gene: COL11A1 (collagen type XI alpha 1 chain; minus strand). Cytogenetic location: 1p21.1.
Variant type: single nucleotide variant.
Coding change: c.1703G>T on transcript NM_001854.4 (MANE Select); coding-DNA position 1703, G replaced by T.
Protein change: p.Gly568Val; replaces glycine 568 with valine.
Molecular consequence: missense variant. On other transcripts: non-coding transcript variant (1).
Genome position (GRCh38, 1-based): chr1:103,006,296, C>A on the plus strand (G>T on the coding strand, the complement: COL11A1 is on the minus strand). VCF-style: chr1-103006296-C-A. GRCh37 (hg19) VCF-style: chr1-103471852-C-A.
Other names: c.1586G>T, p.Gly529Val (NM_001190709.2); c.1739G>T, p.Gly580Val (NM_080629.3); c.1355G>T, p.Gly452Val (NM_080630.4); short protein forms G452V, G529V, G568V, G580V.
Identifiers: ClinVar variation 4818945 (VCV004818945.1).